The following is an entry in ClinVar:

ClinVar aggregate classification (germline): Likely benign. Review status: criteria provided, multiple submitters, no conflicts (2 of 4 stars). 2 submissions from 2 submitters: Likely benign (2). Last evaluated 2018-03-15.

Allele frequency attached by ClinVar (database versions not stated): 1000 Genomes Project 30x 0.00219; 1000 Genomes Project 0.00240; TOPMed 0.00613; ESP Exome Variant Server 0.00646.
gnomAD v4.1: 10,510 of 1,614,126 alleles (0.65%); highest among the groups gnomAD compares: Middle Eastern, 1.5%; 57 homozygotes.

Submissions (2):

GeneDx
Classification: Likely benign. Last evaluated: 2018-03-15. Review status: criteria provided, single submitter. Criteria: GeneDx Variant Classification (06012015). Collection method: clinical testing. Allele origin: germline. Affected: yes.
Comment: This variant is considered likely benign or benign based on one or more of the following criteria: it is a conservative change, it occurs at a poorly conserved position in the protein, it is predicted to be benign by multiple in silico algorithms, and/or has population frequency not consistent with disease.

Breakthrough Genomics
Classification: Likely benign. Review status: criteria provided, single submitter. Criteria: ACMG Guidelines, 2015. Collection method: not provided. Allele origin: germline. Inheritance: Unknown mechanism. Affected: yes.

NM_007127.3(VIL1):c.684C>A (p.His228Gln)

Gene: VIL1 (villin 1; plus strand). Cytogenetic location: 2q35.
Variant type: single nucleotide variant.
Coding change: c.684C>A on transcript NM_007127.3 (MANE Select); coding-DNA position 684, C replaced by A.
Protein change: p.His228Gln; replaces histidine 228 with glutamine.
Molecular consequence: missense variant.
Genome position (GRCh38, 1-based): chr2:218,429,401, C>A. VCF-style: chr2-218429401-C-A. GRCh37 (hg19) VCF-style: chr2-219294124-C-A.
Other names: short protein forms H228Q.
Identifiers: ClinVar variation 378854 (VCV000378854.2), dbSNP rs148353573, ClinGen allele CA2106155.